The following is an entry in ClinVar:

ClinVar aggregate classification (germline): Likely pathogenic. Review status: criteria provided, multiple submitters, no conflicts (2 of 4 stars). 2 submissions from 2 submitters: Likely pathogenic (2). Last evaluated 2025-08-29.

Conditions:
Hypophosphatasia. Also called: Phosphoethanol-aminuria. Identifiers: Orphanet 436, MedGen C0020630, MeSH D007014, MONDO:0018570.

Submissions (2):

Genomenon, Inc
Classification: Likely pathogenic for Hypophosphatasia. Last evaluated: 2025-08-29. Review status: criteria provided, single submitter. Criteria: Genomenon Sequence Variant Interpretation Standards. Collection method: curation. Allele origin: germline. Affected: yes.
Comment: ALPL p.His482ProfsTer299 (c.1444dup) is a frameshift variant that results in the production of an extended protein product. This variant has been observed in a proband affected with hypophosphatasia (PMID:17238218). The variant was found to segregate with disease in at least one affected family (PMID:18925618). It is absent or not present at a significant frequency in gnomAD. In conclusion, we classify ALPL p.His482ProfsTer299 (c.1444dup) as a likely pathogenic variant.

JKU Lab, Dept of Paediatrics, Johannes Kepler University
Classification: Likely pathogenic for Hypophosphatasia. Last evaluated: 2023-12-05. Review status: criteria provided, single submitter. Criteria: ACMG Guidelines, 2015. Collection method: clinical testing. Allele origin: germline. Affected: yes. Observed: 1 compound heterozygote.
Comment: Absent in GnomAD.

Literature cited by the submitters: PubMed 17238218 (cited by Genomenon, Inc); PubMed 18925618 (cited by Genomenon, Inc).

NM_000478.6(ALPL):c.1444dup (p.His482fs)

Gene: ALPL (alkaline phosphatase, biomineralization associated; plus strand). Cytogenetic location: 1p36.12.
Variant type: Duplication.
Coding change: c.1444dup on transcript NM_000478.6 (MANE Select); coding-DNA position 1444, one base duplicated (C; older notation c.1444dupC).
Protein change: p.His482fs; shifts the reading frame from histidine 482.
Molecular consequence: frameshift variant.
Genome position (GRCh38, 1-based): chr1:21,577,517, C duplicated; the last of 5 consecutive C bases (chr1:21,577,513-21,577,517); duplicating any one gives the same sequence. VCF-style (leftmost placement, unchanged base first): chr1-21577512-T-TC. GRCh37 (hg19) VCF-style: chr1-21904005-T-TC.
Other names: c.1279dup, p.His427fs (NM_001127501.4); c.1213dup, p.His405fs (NM_001177520.3); c.1444dup, p.His482fs (NM_001369803.2, NM_001369804.2, NM_001369805.2); short protein forms H405fs, H427fs, H482fs.
Identifiers: ClinVar variation 2665004 (VCV002665004.2), dbSNP rs2545351182, ClinGen allele CA2586966224.
Genomic context (GRCh38, chr1:21,577,512, plus strand): 5'-CCGTCTTCTCCAAGGGCCCCATGGCGCACCTGCTGCACGGCGTCCACGAGCAGAACTACG[T>TC]CCCCCACGTGATGGCGTATGCAGCCTGCATCGGGGCCAACCTCGGCCACTGTGCTCCTGC-3'